The following is an entry in ClinVar:

NM_000059.4(BRCA2):c.7246T>G (p.Phe2416Val)

Gene: BRCA2 (BRCA2 DNA repair associated; plus strand). Cytogenetic location: 13q13.1.
Variant type: single nucleotide variant.
Coding change: c.7246T>G on transcript NM_000059.4 (MANE Select); coding-DNA position 7246, T replaced by G.
Protein change: p.Phe2416Val; replaces phenylalanine 2416 with valine.
Molecular consequence: missense variant.
Genome position (GRCh38, 1-based): chr13:32,355,099, T>G. VCF-style: chr13-32355099-T-G. GRCh37 (hg19) VCF-style: chr13-32929236-T-G.
Other names: short protein forms F2416V.
Identifiers: ClinVar variation 1042667 (VCV001042667.10), dbSNP rs2072681002, ClinGen allele CA387740430.

ClinVar aggregate classification (germline): Uncertain significance. Review status: criteria provided, multiple submitters, no conflicts (2 of 4 stars). 2 submissions from 2 submitters: Uncertain significance (2). Last evaluated 2025-02-13.

Conditions:
Hereditary breast ovarian cancer syndrome. Also called: Hereditary breast and ovarian cancer syndrome (HBOC); Breast and ovarian cancer; Hereditary breast and ovarian cancer syndrome; Hereditary breast and ovarian cancer; Hereditary breast and/or ovarian cancer syndrome; BRCA1- and BRCA2-Associated Hereditary Breast and Ovarian Cancer. Identifiers: Orphanet 145, MedGen C0677776, MeSH D061325, MONDO:0003582. Disease mechanism: loss of function.

Submissions (2):

Labcorp Genetics (formerly Invitae), Labcorp
Classification: Uncertain significance for Hereditary breast ovarian cancer syndrome. Last evaluated: 2025-02-13. Review status: criteria provided, single submitter. Criteria: Invitae Variant Classification Sherloc (09022015). Collection method: clinical testing. Allele origin: germline.
Comment: This sequence change replaces phenylalanine, which is neutral and non-polar, with valine, which is neutral and non-polar, at codon 2416 of the BRCA2 protein (p.Phe2416Val). This variant is not present in population databases (gnomAD no frequency). This variant has not been reported in the literature in individuals affected with BRCA2-related conditions. ClinVar contains an entry for this variant (Variation ID: 1042667). Invitae Evidence Modeling of protein sequence and biophysical properties (such as structural, functional, and spatial information, amino acid conservation, physicochemical variation, residue mobility, and thermodynamic stability) indicates that this missense variant is not expected to disrupt BRCA2 protein function with a negative predictive value of 95%. In summary, the available evidence is currently insufficient to determine the role of this variant in disease. Therefore, it has been classified as a Variant of Uncertain Significance.

Mendelics
Classification: Uncertain significance. Last evaluated: 2022-05-04. Review status: criteria provided, single submitter. Criteria: Mendelics Assertion Criteria 2019. Collection method: clinical testing. Allele origin: germline.